The following is an entry in ClinVar:

ClinVar aggregate classification (germline): Conflicting classifications of pathogenicity. Review status: criteria provided, conflicting classifications (1 of 4 stars). 7 submissions from 6 submitters: Uncertain significance (1); Benign (4); Likely benign (2). Last evaluated 2025-12-08.

Conditions:
Autosomal recessive nonsyndromic hearing loss 21. Identifiers: Orphanet 90636, MedGen C1863655, MONDO:0011351, OMIM 603629.
Autosomal dominant nonsyndromic hearing loss 12. Also called: DEAFNESS, AUTOSOMAL DOMINANT 8. Identifiers: Orphanet 90635, MedGen C1832187, MONDO:0011102, OMIM 601543.

Allele frequency attached by ClinVar (database versions not stated): gnomAD 0.00003 and 0.00039; TOPMed 0.00006; gnomAD exomes 0.00113; ExAC 0.00124; 1000 Genomes Project 0.00300; 1000 Genomes Project 30x 0.00312.
gnomAD v4.1: 865 of 1,614,242 alleles (0.054%); highest among the groups gnomAD compares: South Asian, 0.88%; 7 homozygotes.

Submissions (7):

Labcorp Genetics (formerly Invitae), Labcorp
Classification: Benign. Last evaluated: 2025-12-08. Review status: criteria provided, single submitter. Criteria: Invitae Variant Classification Sherloc (09022015). Collection method: clinical testing. Allele origin: germline.

Blueprint Genetics
Classification: Likely benign. Last evaluated: 2024-11-19. Review status: criteria provided, single submitter. Criteria: ACMG Guidelines, 2015. Collection method: clinical testing. Allele origin: germline.

CeGaT Center for Human Genetics Tuebingen
Classification: Likely benign. Last evaluated: 2024-09-01. Review status: criteria provided, single submitter. Criteria: CeGaT Center For Human Genetics Tuebingen Variant Classification Criteria Version 2. Collection method: clinical testing. Allele origin: germline. Affected: yes. Observed: 1 variant allele.
Comment: TBCEL-TECTA: BS1; TECTA: BP4, BP7

GeneDx
Classification: Benign. Last evaluated: 2020-03-03. Review status: criteria provided, single submitter. Criteria: GeneDx Variant Classification Process June 2021. Collection method: clinical testing. Allele origin: germline. Affected: yes.

Illumina Laboratory Services, Illumina
Classification: Benign for Autosomal dominant nonsyndromic hearing loss 12. Last evaluated: 2018-01-12. Review status: criteria provided, single submitter. Criteria: ICSL Variant Classification Criteria 13 December 2019. Collection method: clinical testing. Allele origin: germline.
Comment: This variant was observed in the ICSL laboratory as part of a predisposition screen in an ostensibly healthy population. It had not been previously curated by ICSL or reported in the Human Gene Mutation Database (HGMD: prior to June 1st, 2018), and was therefore a candidate for classification through an automated scoring system. Utilizing variant allele frequency, disease prevalence and penetrance estimates, and inheritance mode, an automated score was calculated to assess if this variant is too frequent to cause the disease. Based on the score and internal cut-off values, a variant classified as benign is not then subjected to further curation. The score for this variant resulted in a classification of benign for this disease.

Illumina Laboratory Services, Illumina
Classification: Uncertain significance for Autosomal recessive nonsyndromic hearing loss 21. Last evaluated: 2018-01-12. Review status: criteria provided, single submitter. Criteria: ICSL Variant Classification Criteria 13 December 2019. Collection method: clinical testing. Allele origin: germline.

Laboratory for Molecular Medicine, Mass General Brigham Personalized Medicine
Classification: Benign. Last evaluated: 2017-08-23. Review status: criteria provided, single submitter. Criteria: LMM Criteria. Collection method: clinical testing. Allele origin: germline. Observed: 1 variant allele.
Comment: p.Asp1250Asp in exon 11 of TECTA: This variant is not expected to have clinical significance because it does not alter an amino acid residue, is not located within the splice consensus sequence, and has been identified in 0.89% (147/16512) of South Asian chromosomes by the Exome Aggregation Consortium (ExAC; dbSNP rs372087934).

NM_005422.4(TECTA):c.3750T>C (p.Asp1250=)

Genes: TBCEL-TECTA (TBCEL-TECTA readthrough; plus strand), TECTA (tectorin alpha; plus strand). Cytogenetic location: 11q23.3.
Variant type: single nucleotide variant.
Coding change: c.3750T>C on transcript NM_005422.4 (MANE Select); coding-DNA position 3750, T replaced by C.
Protein change: p.Asp1250=; no amino-acid change (aspartic acid 1250 retained).
Molecular consequence: synonymous variant.
Genome position (GRCh38, 1-based): chr11:121,145,761, T>C. VCF-style: chr11-121145761-T-C. GRCh37 (hg19) VCF-style: chr11-121016470-T-C.
Other names: c.4707T>C, p.Asp1569= (NM_001378761.1).
Identifiers: ClinVar variation 303019 (VCV000303019.30), dbSNP rs372087934, ClinGen allele CA6327287.